The following is an entry in ClinVar:

ClinVar aggregate classification (germline): Uncertain significance (1 of 4 stars; one submission).

Allele frequency attached by ClinVar (database versions not stated): TOPMed below 0.00001; ExAC 0.00001; gnomAD exomes 0.00002; gnomAD 0.00003.
gnomAD v4.1: 37 of 1,614,036 alleles (0.0023%); highest among the groups gnomAD compares: African/African-American, 0.0067%; no homozygotes.

Submission:

Labcorp Genetics (formerly Invitae), Labcorp
Classification: Uncertain significance. Last evaluated: 2024-11-11. Review status: criteria provided, single submitter. Criteria: Invitae Variant Classification Sherloc (09022015). Collection method: clinical testing. Allele origin: germline.
Comment: This sequence change replaces methionine, which is neutral and non-polar, with valine, which is neutral and non-polar, at codon 726 of the DENND5A protein (p.Met726Val). This variant is present in population databases (rs754451263, gnomAD 0.008%). This variant has not been reported in the literature in individuals affected with DENND5A-related conditions. ClinVar contains an entry for this variant (Variation ID: 1948919). Invitae Evidence Modeling of protein sequence and biophysical properties (such as structural, functional, and spatial information, amino acid conservation, physicochemical variation, residue mobility, and thermodynamic stability) indicates that this missense variant is not expected to disrupt DENND5A protein function with a negative predictive value of 80%. In summary, the available evidence is currently insufficient to determine the role of this variant in disease. Therefore, it has been classified as a Variant of Uncertain Significance.

NM_015213.4(DENND5A):c.2176A>G (p.Met726Val)

Gene: DENND5A (DENN domain containing 5A; minus strand). Cytogenetic location: 11p15.4.
Variant type: single nucleotide variant.
Coding change: c.2176A>G on transcript NM_015213.4 (MANE Select); coding-DNA position 2176, A replaced by G.
Protein change: p.Met726Val; replaces methionine 726 with valine.
Molecular consequence: missense variant. On other transcripts: non-coding transcript variant (1).
Genome position (GRCh38, 1-based): chr11:9,165,943, T>C on the plus strand (A>G on the coding strand, the complement: DENND5A is on the minus strand). VCF-style: chr11-9165943-T-C. GRCh37 (hg19) VCF-style: chr11-9187490-T-C.
Other names: c.2176A>G, p.Met726Val (NM_001243254.2, NM_001348748.1); c.2104A>G, p.Met702Val (NM_001348749.2); c.1888A>G, p.Met630Val (NM_001348750.2); short protein forms M630V, M726V, M702V.
Identifiers: ClinVar variation 1948919 (VCV001948919.5), dbSNP rs754451263, ClinGen allele CA5877400.